The following is an entry in ClinVar:

NM_002474.3(MYH11):c.1341C>T (p.Thr447=)

Gene: MYH11 (myosin heavy chain 11; minus strand). Cytogenetic location: 16p13.11.
Variant type: single nucleotide variant.
Coding change: c.1341C>T on transcript NM_002474.3 (MANE Select); coding-DNA position 1341, C replaced by T.
Protein change: p.Thr447=; no amino-acid change (threonine 447 retained).
Molecular consequence: synonymous variant.
Genome position (GRCh38, 1-based): chr16:15,759,636, G>A on the plus strand (C>T on the coding strand, the complement: MYH11 is on the minus strand). VCF-style: chr16-15759636-G-A. GRCh37 (hg19) VCF-style: chr16-15853493-G-A.
Other names: c.1362C>T, p.Thr454= (NM_001040113.2, NM_001040114.2); c.1341C>T, p.Thr447= (NM_022844.3).
Identifiers: ClinVar variation 739213 (VCV000739213.16), dbSNP rs200660016, ClinGen allele CA278645749.
Genomic context (GRCh38, chr16:15,759,636, plus strand): 5'-CTCAAAGATCTCAAATCCAGCTATATCCAGGATCCCCAGGAAGGAAGCCCCTTGCCGATG[G>A]GTCTTGTCCAGGGCTTTGTTCACGCGGGTGAGTATCCAGCGGAAAAGGCGCTCATATGTT-3'
Protein context (NP_002465.1, residues 437-457): LTRVNKALDK[Thr447=]HRQGASFLGI

ClinVar aggregate classification (germline): Likely benign. Review status: criteria provided, multiple submitters, no conflicts (2 of 4 stars). 5 submissions from 5 submitters: Likely benign (5). Last evaluated 2025-06-17.

Conditions:
Familial thoracic aortic aneurysm and aortic dissection (TAAD). Also called: Thoracic aortic aneurysms and dissections. Identifiers: Orphanet 91387, MedGen C4707243, MONDO:0019625.
Aortic aneurysm, familial thoracic 4 (AAT4). Also called: AORTIC ANEURYSM/AORTIC DISSECTION AND PATENT DUCTUS ARTERIOSUS. Identifiers: MedGen C1851504, MONDO:0007568, OMIM 132900.

Allele frequency attached by ClinVar (database versions not stated): TOPMed 0.00001.
gnomAD v4.1: 44 of 1,614,064 alleles (0.0027%); highest among the groups gnomAD compares: Non-Finnish European, 0.0035%; no homozygotes.

Submissions (5):

Labcorp Genetics (formerly Invitae), Labcorp
Classification: Likely benign for Aortic aneurysm, familial thoracic 4. Last evaluated: 2025-06-17. Review status: criteria provided, single submitter. Criteria: Invitae Variant Classification Sherloc (09022015). Collection method: clinical testing. Allele origin: germline.

ARUP Laboratories, Molecular Genetics and Genomics, ARUP Laboratories
Classification: Likely benign. Last evaluated: 2025-03-10. Review status: criteria provided, single submitter. Criteria: ARUP Molecular Germline Variant Investigation Process 2024. Collection method: clinical testing. Allele origin: germline.

All of Us Research Program, National Institutes of Health
Classification: Likely benign for Familial thoracic aortic aneurysm and aortic dissection. Last evaluated: 2023-11-02. Review status: criteria provided, single submitter. Criteria: ACMG Guidelines, 2015. Collection method: clinical testing. Allele origin: germline. Inheritance: Autosomal dominant inheritance. Observed: 2 variant alleles, 2 heterozygotes.
Comment: This study involves interpretation of variants in research participants for the purpose of population health screening. Participant phenotype was not available at the time of variant classification. Additional details can be found in publication PMID: 35346344, PMCID: PMC8962531

Ambry Genetics
Classification: Likely benign for Familial thoracic aortic aneurysm and aortic dissection. Last evaluated: 2019-07-19. Review status: criteria provided, single submitter. Criteria: Ambry Variant Classification Scheme 2023. Collection method: clinical testing. Allele origin: germline.

Color Diagnostics, LLC DBA Color Health
Classification: Likely benign for Familial thoracic aortic aneurysm and aortic dissection. Last evaluated: 2018-11-25. Review status: criteria provided, single submitter. Criteria: ACMG Guidelines, 2015. Collection method: clinical testing. Allele origin: germline.